The following is an entry in ClinVar:

NM_001267550.2(TTN):c.66284G>A (p.Arg22095Gln)

Genes: TTN (titin; minus strand), TTN-AS1 (TTN antisense RNA 1; plus strand). Cytogenetic location: 2q31.2.
Variant type: single nucleotide variant.
Coding change: c.66284G>A on transcript NM_001267550.2 (MANE Select); coding-DNA position 66284, G replaced by A.
Protein change: p.Arg22095Gln; replaces arginine 22095 with glutamine.
Molecular consequence: missense variant.
Genome position (GRCh38, 1-based): chr2:178,582,085, C>T on the plus strand (G>A on the coding strand, the complement: TTN is on the minus strand). VCF-style: chr2-178582085-C-T. GRCh37 (hg19) VCF-style: chr2-179446812-C-T.
Other names: c.61361G>A, p.Arg20454Gln (NM_001256850.1); c.39089G>A, p.Arg13030Gln (NM_003319.4); c.58580G>A, p.Arg19527Gln (NM_133378.4); c.39464G>A, p.Arg13155Gln (NM_133432.3); c.39665G>A, p.Arg13222Gln (NM_133437.4); short protein forms R13030Q, R13155Q, R13222Q, R19527Q, R20454Q, R22095Q.
Identifiers: ClinVar variation 3340024 (VCV003340024.2).

ClinVar aggregate classification (germline): Uncertain significance. Review status: criteria provided, multiple submitters, no conflicts (2 of 4 stars). 2 submissions from 2 submitters: Uncertain significance (2). Last evaluated 2026-06-23.

Conditions:
TTN-related disorder. Also called: TTN-related condition; TTN-related disease; TTN-related disorders.

gnomAD v4.1: 9 of 1,613,110 alleles (0.00056%); highest among the groups gnomAD compares: African/African-American, 0.0027%; no homozygotes.

Submissions (2):

PreventionGenetics, part of Exact Sciences
Classification: Uncertain significance for TTN-related condition. Last evaluated: 2026-06-23. Review status: criteria provided, single submitter. Criteria: ACMG Guidelines, 2015. Collection method: clinical testing. Allele origin: germline.
Comment: The TTN c.66284G>A variant is predicted to result in the amino acid substitution p.Arg22095Gln. To our knowledge, this variant has not been reported in the literature. This variant is reported in 0.011% of alleles in individuals of East Asian descent in gnomAD. At this time, the clinical significance of this variant is uncertain due to the absence of conclusive functional and genetic evidence.

Women's Health and Genetics/Laboratory Corporation of America, LabCorp
Classification: Uncertain significance. Last evaluated: 2024-06-17. Review status: criteria provided, single submitter. Criteria: LabCorp Variant Classification Summary - May 2015. Collection method: clinical testing. Allele origin: germline.